The following is an entry in ClinVar:

NM_001042492.3(NF1):c.7265A>G (p.Lys2422Arg)

Gene: NF1 (neurofibromin 1; plus strand). Cytogenetic location: 17q11.2.
Variant type: single nucleotide variant.
Coding change: c.7265A>G on transcript NM_001042492.3 (MANE Select); coding-DNA position 7265, A replaced by G.
Protein change: p.Lys2422Arg; replaces lysine 2422 with arginine.
Molecular consequence: missense variant.
Genome position (GRCh38, 1-based): chr17:31,349,195, A>G. VCF-style: chr17-31349195-A-G. GRCh37 (hg19) VCF-style: chr17-29676213-A-G.
Other names: c.7202A>G, p.Lys2401Arg (NM_000267.4); short protein forms K2422R, K2401R.
Identifiers: ClinVar variation 639985 (VCV000639985.9), dbSNP rs1597858501, ClinGen allele CA399016802.

ClinVar aggregate classification (germline): Conflicting classifications of pathogenicity. Review status: criteria provided, conflicting classifications (1 of 4 stars). 2 submissions from 2 submitters: Uncertain significance (1); Likely benign (1). Last evaluated 2026-09-11.

Conditions:
Neurofibromatosis, type 1 (NF1). Also called: VON RECKLINGHAUSEN DISEASE; Neurofibromatosis, type I; Peripheral type neurofibromatosis; NEUROFIBROMATOSIS, TYPE I, SOMATIC. Identifiers: Orphanet 636, MedGen C0027831, MONDO:0018975, OMIM 162200. Disease mechanism: loss of function.
Hereditary cancer-predisposing syndrome. Also called: Neoplastic Syndromes, Hereditary; Hereditary Cancer Syndrome; Hereditary neoplastic syndrome; Tumor predisposition. Identifiers: Orphanet 140162, MedGen C0027672, MeSH D009386, MONDO:0015356.
Cardiovascular phenotype. Identifiers: MedGen CN230736.

Allele frequency attached by ClinVar (database versions not stated): gnomAD exomes below 0.00001.
gnomAD v4.1: 1 of 1,613,676 alleles (0.000062%); highest among the groups gnomAD compares: South Asian, 0.0011%; no homozygotes.

Submissions (2):

Ambry Genetics
Classification: Likely benign for Cardiovascular phenotype; Hereditary cancer-predisposing syndrome. Last evaluated: 2026-09-11. Review status: criteria provided, single submitter. Criteria: Ambry Variant Classification Scheme 2023. Collection method: clinical testing. Allele origin: germline.

Labcorp Genetics (formerly Invitae), Labcorp
Classification: Uncertain significance for Neurofibromatosis, type 1. Last evaluated: 2024-10-17. Review status: criteria provided, single submitter. Criteria: Invitae Variant Classification Sherloc (09022015). Collection method: clinical testing. Allele origin: germline.
Comment: This sequence change replaces lysine, which is basic and polar, with arginine, which is basic and polar, at codon 2401 of the NF1 protein (p.Lys2401Arg). This variant is not present in population databases (gnomAD no frequency). This variant has not been reported in the literature in individuals affected with NF1-related conditions. ClinVar contains an entry for this variant (Variation ID: 639985). Invitae Evidence Modeling of protein sequence and biophysical properties (such as structural, functional, and spatial information, amino acid conservation, physicochemical variation, residue mobility, and thermodynamic stability) has been performed for this missense variant. However, the output from this modeling did not meet the statistical confidence thresholds required to predict the impact of this variant on NF1 protein function. In summary, the available evidence is currently insufficient to determine the role of this variant in disease. Therefore, it has been classified as a Variant of Uncertain Significance.